The following is an entry in ClinVar:

NM_022089.4(ATP13A2):c.840+5G>A

Gene: ATP13A2 (ATPase cation transporting 13A2; minus strand). Cytogenetic location: 1p36.13.
Variant type: single nucleotide variant.
Coding change: c.840+5G>A on transcript NM_022089.4 (MANE Select); 5 bases into the intron after coding-DNA position 840, G replaced by A.
Molecular consequence: intron variant.
Genome position (GRCh38, 1-based): chr1:17,000,395, C>T on the plus strand (G>A on the coding strand, the complement: ATP13A2 is on the minus strand). VCF-style: chr1-17000395-C-T. GRCh37 (hg19) VCF-style: chr1-17326890-C-T.
Other names: c.825+5G>A (NM_001141974.3, NM_001141973.3).
Identifiers: ClinVar variation 2136956 (VCV002136956.2), dbSNP rs777106683, ClinGen allele CA637480.
Genomic context (GRCh38, chr1:17,000,395, plus strand): 5'-CCGTGAGTGGGTGGGGGCCCCTGGGGACCCACCTGTCCCGTCCCCACCCACCTTATGGCA[C>T]TCACCTTTCTGGTCTTGTACAGCGACAGGCAGATGGAGATGGAGGAAATGAGGAAGATGC-3'

ClinVar aggregate classification (germline): Uncertain significance. Review status: criteria provided, multiple submitters, no conflicts (2 of 4 stars). 2 submissions from 2 submitters: Uncertain significance (2). Last evaluated 2024-02-05.

Conditions:
Kufor-Rakeb syndrome (KRS). Also called: PARKINSON DISEASE 9, AUTOSOMAL RECESSIVE, JUVENILE-ONSET. Identifiers: Orphanet 306674, Orphanet 314632, MedGen C1847640, MONDO:0011706, OMIM 606693.
Autosomal recessive spastic paraplegia type 78. Identifiers: Orphanet 513436, MedGen C5567893, MONDO:0014975, OMIM 617225.

Allele frequency attached by ClinVar (database versions not stated): gnomAD exomes below 0.00001; ExAC 0.00001; gnomAD 0.00001.
gnomAD v4.1: 4 of 1,611,334 alleles (0.00025%); highest among the groups gnomAD compares: Non-Finnish European, 0.00034%; no homozygotes.

Submissions (2):

Women's Health and Genetics/Laboratory Corporation of America, LabCorp
Classification: Uncertain significance. Last evaluated: 2024-02-05. Review status: criteria provided, single submitter. Criteria: LabCorp Variant Classification Summary - May 2015. Collection method: clinical testing. Allele origin: germline.

Labcorp Genetics (formerly Invitae), Labcorp
Classification: Uncertain significance for Kufor-Rakeb syndrome; Autosomal recessive spastic paraplegia type 78. Last evaluated: 2022-10-24. Review status: criteria provided, single submitter. Criteria: Invitae Variant Classification Sherloc (09022015). Collection method: clinical testing. Allele origin: germline.
Comment: This sequence change falls in intron 9 of the ATP13A2 gene. It does not directly change the encoded amino acid sequence of the ATP13A2 protein. It affects a nucleotide within the consensus splice site. This variant is present in population databases (rs777106683, gnomAD 0.002%). This variant has not been reported in the literature in individuals affected with ATP13A2-related conditions. Variants that disrupt the consensus splice site are a relatively common cause of aberrant splicing (PMID: 17576681, 9536098). Algorithms developed to predict the effect of sequence changes on RNA splicing suggest that this variant may create or strengthen a splice site. In summary, the available evidence is currently insufficient to determine the role of this variant in disease. Therefore, it has been classified as a Variant of Uncertain Significance.

Literature cited by the submitters: PubMed 17576681 (cited by Labcorp Genetics (formerly Invitae), Labcorp); PubMed 9536098 (cited by Labcorp Genetics (formerly Invitae), Labcorp).